The following is an entry in ClinVar:

ClinVar aggregate classification (germline): Uncertain significance (1 of 4 stars; one submission).

Submission:

Labcorp Genetics (formerly Invitae), Labcorp
Classification: Uncertain significance. Last evaluated: 2022-12-23. Review status: criteria provided, single submitter. Criteria: Invitae Variant Classification Sherloc (09022015). Collection method: clinical testing. Allele origin: germline.
Comment: This variant is not present in population databases (gnomAD no frequency). In summary, the available evidence is currently insufficient to determine the role of this variant in disease. Therefore, it has been classified as a Variant of Uncertain Significance. Advanced modeling of protein sequence and biophysical properties (such as structural, functional, and spatial information, amino acid conservation, physicochemical variation, residue mobility, and thermodynamic stability) performed at Invitae indicates that this missense variant is not expected to disrupt COL2A1 protein function. This variant has not been reported in the literature in individuals affected with COL2A1-related conditions. This sequence change replaces glutamic acid, which is acidic and polar, with glycine, which is neutral and non-polar, at codon 70 of the COL2A1 protein (p.Glu70Gly).

NM_001844.5(COL2A1):c.209A>G (p.Glu70Gly)

Gene: COL2A1 (collagen type II alpha 1 chain; minus strand). Cytogenetic location: 12q13.11.
Variant type: single nucleotide variant.
Coding change: c.209A>G on transcript NM_001844.5 (MANE Select); coding-DNA position 209, A replaced by G.
Protein change: p.Glu70Gly; replaces glutamic acid 70 with glycine.
Molecular consequence: missense variant. On other transcripts: intron variant (1).
Genome position (GRCh38, 1-based): chr12:48,000,002, T>C on the plus strand (A>G on the coding strand, the complement: COL2A1 is on the minus strand). VCF-style: chr12-48000002-T-C. GRCh37 (hg19) VCF-style: chr12-48393785-T-C.
Other names: c.86-1571A>G (NM_033150.3); short protein forms E70G.
Identifiers: ClinVar variation 2823575 (VCV002823575.3), dbSNP rs2540187583, ClinGen allele CA384526173.
Genomic context (GRCh38, chr12:48,000,002, plus strand): 5'-GGGCAGATGGGGCAGCACTCTCCGAAGGGGATCTCAGGGCTGAGGCAGTCTTTCACGTCT[T>C]CACAGATTATGTCGTCGCAGAGGACAGTCCCAGTGTCACAGACACAGATCCGGCAGGGCT-3'
Protein context (NP_001835.3, residues 60-80): GTVLCDDIIC[Glu70Gly]DVKDCLSPEI